The following is an entry in ClinVar:

ClinVar aggregate classification (germline): Likely benign. Review status: criteria provided, multiple submitters, no conflicts (2 of 4 stars). 3 submissions from 3 submitters: Likely benign (3). Last evaluated 2022-12-06.

Conditions:
Progressive sclerosing poliodystrophy (MTDPS4A). Also called: Alpers-Huttenlocher Syndrome (AHS); ALPERS PROGRESSIVE INFANTILE POLIODYSTROPHY; Mitochondrial DNA Depletion Syndrome 4A; Mitochondrial DNA depletion syndrome 4A (Alpers type); NEURONAL DEGENERATION OF CHILDHOOD WITH LIVER DISEASE, PROGRESSIVE; Alpers Syndrome. Identifiers: Orphanet 726, MedGen C0205710, MONDO:0008758, OMIM 203700.

Allele frequency attached by ClinVar (database versions not stated): gnomAD exomes 0.00001 and below 0.00001; ExAC 0.00002; TOPMed below 0.00001; gnomAD 0.00001; ESP Exome Variant Server 0.00015.
gnomAD v4.1: 4 of 1,613,960 alleles (0.00025%); highest among the groups gnomAD compares: Non-Finnish European, 0.00034%; no homozygotes.

Submissions (3):

Labcorp Genetics (formerly Invitae), Labcorp
Classification: Likely benign for Progressive sclerosing poliodystrophy. Last evaluated: 2022-12-06. Review status: criteria provided, single submitter. Criteria: Invitae Variant Classification Sherloc (09022015). Collection method: clinical testing. Allele origin: germline.

Wong Mito Lab, Molecular and Human Genetics, Baylor College of Medicine
Classification: Likely benign for Progressive sclerosing poliodystrophy. Last evaluated: 2018-10-01. Review status: criteria provided, single submitter. Criteria: ACMG Guidelines, 2015. Collection method: clinical testing. Allele origin: germline.
Comment: The NM_002693.2:c.2038C>T (NP_002684.1:p.Leu680=) [GRCH38: NC_000015.10:g.89324139G>A] variant in POLG gene is interpretated to be a Likely Benign based on ACMG guidelines (PMID: 25741868). This variant meets the following evidence codes reported in the ACMG-guideline. BP4:Computational evidence/predictors indicate no impact on the POLG structure, function, or protein-protein interaction. BP7:The variant is silent with non predicted splice impact. Based on the evidence criteria codes applied, the variant is suggested to be Likely Benign.

GeneDx
Classification: Likely benign. Last evaluated: 2018-06-06. Review status: criteria provided, single submitter. Criteria: GeneDx Variant Classification Process June 2021. Collection method: clinical testing. Allele origin: germline. Affected: yes.

NM_002693.3(POLG):c.2038C>T (p.Leu680=)

Gene: POLG (DNA polymerase gamma, catalytic subunit; minus strand). Cytogenetic location: 15q26.1.
Variant type: single nucleotide variant.
Coding change: c.2038C>T on transcript NM_002693.3 (MANE Select); coding-DNA position 2038, C replaced by T.
Protein change: p.Leu680=; no amino-acid change (leucine 680 retained).
Molecular consequence: synonymous variant.
Genome position (GRCh38, 1-based): chr15:89,324,139, G>A on the plus strand (C>T on the coding strand, the complement: POLG is on the minus strand). VCF-style: chr15-89324139-G-A. GRCh37 (hg19) VCF-style: chr15-89867370-G-A.
Other names: c.2038C>T, p.Leu680= (NM_001126131.2).
Identifiers: ClinVar variation 509049 (VCV000509049.11), dbSNP rs373066911, ClinGen allele CA7724613.